The following is an entry in ClinVar:

NM_000093.5(COL5A1):c.5257C>T (p.Gln1753Ter)

Genes: COL5A1 (collagen type V alpha 1 chain; plus strand), LOC101448202 (uncharacterized LOC101448202; minus strand). Cytogenetic location: 9q34.3.
Variant type: single nucleotide variant.
Coding change: c.5257C>T on transcript NM_000093.5 (MANE Select); coding-DNA position 5257, C replaced by T.
Protein change: p.Gln1753Ter; replaces glutamine 1753 with a stop codon.
Molecular consequence: nonsense.
Genome position (GRCh38, 1-based): chr9:134,835,091, C>T. VCF-style: chr9-134835091-C-T. GRCh37 (hg19) VCF-style: chr9-137726937-C-T.
Other names: c.5257C>T, p.Gln1753Ter (NM_001278074.1); short protein forms Q1753*.
Identifiers: ClinVar variation 4685492 (VCV004685492.1).

ClinVar aggregate classification (germline): Pathogenic (1 of 4 stars; one submission).

Conditions:
Ehlers-Danlos syndrome, classic type, 1 (EDSCL1). Also called: EHLERS-DANLOS SYNDROME, GRAVIS TYPE; EHLERS-DANLOS SYNDROME, SEVERE CLASSIC TYPE; Ehlers-Danlos syndrome, type 1; Ehlers-Danlos Syndrome, Classic Type, COL5A1-Related; EDS I. Identifiers: MedGen C0268335, MONDO:0019567, OMIM 130000.

Submission:

Imagene.me medical diagnostic laboratory, IMAGENE.ME SA
Classification: Pathogenic for Ehlers-Danlos syndrome, classic type, 1. Review status: criteria provided, single submitter. Criteria: IMAGENE.ME Variant Classification SOP 2022. Collection method: clinical testing. Allele origin: germline. Affected: yes.
Comment: Classified according to the IMAGENE.ME variant classification SOP based on the ACMG guidelines as Pathogenic (P): PVS1 + PM2 + PP4_Strong